The following is an entry in ClinVar:

ClinVar aggregate classification (germline): Pathogenic (1 of 4 stars; one submission).

Conditions:
X-linked intellectual disability, Cantagrel type (XLID98). Also called: INTELLECTUAL DEVELOPMENTAL DISORDER, X-LINKED 98. Identifiers: Orphanet 85277, MedGen C3806730, MONDO:0010483, OMIM 300912.

Submission:

Victorian Clinical Genetics Services, Murdoch Childrens Research Institute
Classification: Pathogenic for X-linked intellectual disability, Cantagrel type. Last evaluated: 2025-12-04. Review status: criteria provided, single submitter. Criteria: ACMG Guidelines, 2015. Collection method: clinical testing. Allele origin: germline. Affected: yes.
Comment: This variant is classified as Pathogenic. Evidence in support of pathogenic classification: Variant is predicted to cause nonsense-mediated decay (NMD) and loss of protein (premature termination codon is located at least 54 nucleotides upstream of the final exon-exon junction); Variant is absent from gnomAD (v2, v3 and v4); Other NMD-predicted variant(s) comparable to the one identified in this case have very strong previous evidence for pathogenicity (DECIPHER). Additional information: This variant is heterozygous; This gene is associated with X-linked dominant disease; Loss of function is a known mechanism of disease in this gene and is associated with intellectual developmental disorder, X-linked 98 (MIM#300912); Variants in this gene are known to have variable expressivity. Males were found to be more severely affected and females tend to have a broader phenotypic spectrum, which is likely due to random X-chromosome inactivation (PMIDs: 27358180, 33144681); Inheritance information for this variant is not currently available in this individual.

Literature cited by the submitters: PubMed 33144681; PubMed 27358180.

NM_001008537.3(NEXMIF):c.1311del (p.Ser438fs)

Gene: NEXMIF (neurite extension and migration factor; minus strand). Cytogenetic location: Xq13.3.
Variant type: Deletion.
Coding change: c.1311del on transcript NM_001008537.3 (MANE Select); coding-DNA position 1311, one base deleted (G; older notation c.1311delG).
Protein change: p.Ser438fs; shifts the reading frame from serine 438.
Molecular consequence: frameshift variant.
Genome position (GRCh38, 1-based): chrX:74,743,246, C deleted on the plus strand (G on the coding strand, the reverse complement: NEXMIF is on the minus strand); the first of 3 consecutive C bases (chrX:74,743,246-74,743,248); deleting any one gives the same sequence. VCF-style (leftmost placement, unchanged base first): chrX-74743245-TC-T. GRCh37 (hg19) VCF-style: chrX-73963080-TC-T.
Other names: short protein forms S438fs.
Identifiers: ClinVar variation 4819056 (VCV004819056.1).
Genomic context (GRCh38, chrX:74,743,245, plus strand): 5'-CCTTGATCTCACCCATAGCATCATATGAGATCTCAATGAAGGAACTATCATCACTGAAAC[TC>T]CCTGATGTCTCCAGGGAATTAGCAAGATGGCCCTGCTTTGGATTCTTAAGTTGCTCTACT-3'